The following is an entry in ClinVar:

ClinVar aggregate classification (germline): Uncertain significance (1 of 4 stars; one submission).

Allele frequency attached by ClinVar (database versions not stated): gnomAD exomes below 0.00001.

Submission:

GeneDx
Classification: Uncertain significance. Last evaluated: 2026-02-06. Review status: criteria provided, single submitter. Criteria: GeneDx Variant Classification Process June 2021. Collection method: clinical testing. Allele origin: germline. Affected: yes.
Comment: Not observed at significant frequency in large population cohorts (gnomAD); In silico analysis supports that this missense variant has a deleterious effect on protein structure/function; Has not been previously published as pathogenic or benign to our knowledge

NM_080473.5(GATA5):c.657G>T (p.Met219Ile)

Gene: GATA5 (GATA binding protein 5; minus strand). Cytogenetic location: 20q13.33.
Variant type: single nucleotide variant.
Coding change: c.657G>T on transcript NM_080473.5 (MANE Select); coding-DNA position 657, G replaced by T.
Protein change: p.Met219Ile; replaces methionine 219 with isoleucine.
Molecular consequence: missense variant.
Genome position (GRCh38, 1-based): chr20:62,473,445, C>A on the plus strand (G>T on the coding strand, the complement: GATA5 is on the minus strand). VCF-style: chr20-62473445-C-A. GRCh37 (hg19) VCF-style: chr20-61048501-C-A.
Other names: short protein forms M219I.
Identifiers: ClinVar variation 1697160 (VCV001697160.3), dbSNP rs2146488257, ClinGen allele CA409554870.
Genomic context (GRCh38, chr20:62,473,445, plus strand): 5'-TGCCCAGCCCGAACTCACCAGGCGCTTCTGAGGCCGAACGAGCGGCCGGTTGACGCCATT[C>A]ATCTTGTGGTAGAGGCCGCAGGCATTGCACAGGTAGTGGCCGGTGCCGTCTCGGCGCCAC-3'
Protein context (NP_536721.1, residues 209-229): LCNACGLYHK[Met219Ile]NGVNRPLVRP